The following is an entry in ClinVar:

NM_000455.5(STK11):c.735-18C>T

Gene: STK11 (serine/threonine kinase 11; plus strand). Cytogenetic location: 19p13.3.
Variant type: single nucleotide variant.
Coding change: c.735-18C>T on transcript NM_000455.5 (MANE Select); 18 bases into the intron before coding-DNA position 735, C replaced by T.
Molecular consequence: intron variant.
Genome position (GRCh38, 1-based): chr19:1,221,195, C>T. VCF-style: chr19-1221195-C-T. GRCh37 (hg19) VCF-style: chr19-1221194-C-T.
Identifiers: ClinVar variation 422746 (VCV000422746.7), dbSNP rs1064795971, ClinGen allele CA16620751.

ClinVar aggregate classification (germline): Conflicting classifications of pathogenicity. Review status: criteria provided, conflicting classifications (1 of 4 stars). 4 submissions from 4 submitters: Uncertain significance (1); Likely benign (3). Last evaluated 2025-03-27.

Conditions:
Peutz-Jeghers syndrome (PJS). Also called: Peutz-Jeghers polyposis; Periorificial lentiginosis syndrome; POLYPOSIS, HAMARTOMATOUS INTESTINAL; POLYPS-AND-SPOTS SYNDROME. Identifiers: Orphanet 2869, MedGen C0031269, MeSH D010580, MONDO:0008280, OMIM 175200.

Allele frequency attached by ClinVar (database versions not stated): gnomAD exomes below 0.00001.
gnomAD v4.1: 1 of 1,611,006 alleles (0.000062%); highest among the groups gnomAD compares: South Asian, 0.0011%; no homozygotes.

Submissions (4):

Myriad Genetics, Inc.
Classification: Likely benign for Peutz-Jeghers syndrome. Last evaluated: 2025-03-27. Review status: criteria provided, single submitter. Criteria: Myriad Autosomal Dominant, Autosomal Recessive and X-Linked Classification Criteria (2023). Collection method: clinical testing. Allele origin: unknown.
Comment: This variant is considered likely benign. This variant is intronic and is not expected to impact mRNA splicing.

Labcorp Genetics (formerly Invitae), Labcorp
Classification: Likely benign for Peutz-Jeghers syndrome. Last evaluated: 2023-01-17. Review status: criteria provided, single submitter. Criteria: Invitae Variant Classification Sherloc (09022015). Collection method: clinical testing. Allele origin: germline.

Blueprint Genetics
Classification: Likely benign. Last evaluated: 2020-04-16. Review status: criteria provided, single submitter. Criteria: ACMG Guidelines, 2015. Collection method: clinical testing. Allele origin: germline.

GeneDx
Classification: Uncertain significance. Last evaluated: 2016-11-12. Review status: criteria provided, single submitter. Criteria: GeneDx Variant Classification (06012015). Collection method: clinical testing. Allele origin: germline. Affected: yes.
Comment: This variant is denoted STK11 c.735-18C>T or IVS5-18C>T and consists of a C>T nucleotide substitution at the -18 position of intron 5 of the STK11 gene. This variant has not, to our knowledge, been published in the literature as pathogenic or benign. The cysteine (C) nucleotide that is altered is not conserved across species. In silico models are inconclusive with respect to splicing, and in the absence of RNA or functional studies, the actual effect of this variant is unknown. Therefore, based on the currently available information, we consider STK11 c.735-18C>T to be a variant of uncertain significance.